The following is an entry in ClinVar:

ClinVar aggregate classification (germline): Benign/Likely benign. Review status: criteria provided, multiple submitters, no conflicts (2 of 4 stars). 7 submissions from 7 submitters: Benign (1); Likely benign (5). 1 of the submissions does not count toward it. Last evaluated 2026-05-19.

Conditions:
Hereditary cancer-predisposing syndrome. Also called: Neoplastic Syndromes, Hereditary; Hereditary Cancer Syndrome; Tumor predisposition; Hereditary neoplastic syndrome. Identifiers: Orphanet 140162, MedGen C0027672, MeSH D009386, MONDO:0015356.
NF1-related disorder. Also called: NF1-related condition. Identifiers: MedGen CN379171.
Neurofibromatosis, type 1 (NF1). Also called: Peripheral type neurofibromatosis; Neurofibromatosis, type I; VON RECKLINGHAUSEN DISEASE; NEUROFIBROMATOSIS, TYPE I, SOMATIC. Identifiers: Orphanet 636, MedGen C0027831, MONDO:0018975, OMIM 162200. Disease mechanism: loss of function.

Allele frequency attached by ClinVar (database versions not stated): gnomAD below 0.00001 and 0.00001; ExAC 0.00005; gnomAD exomes 0.00005.
gnomAD v4.1: 45 of 1,613,952 alleles (0.0028%); highest among the groups gnomAD compares: South Asian, 0.047%; 2 homozygotes.

Submissions (7):

Myriad Genetics, Inc.
Classification: Benign for Neurofibromatosis, type 1. Last evaluated: 2026-05-19. Review status: criteria provided, single submitter. Criteria: Myriad Autosomal Dominant, Autosomal Recessive and X-Linked Classification Criteria (2023). Collection method: clinical testing. Allele origin: unknown.
Comment: This variant is considered benign. This variant is a silent/synonymous amino acid change and it is not expected to impact splicing.

Labcorp Genetics (formerly Invitae), Labcorp
Classification: Likely benign for Neurofibromatosis, type 1. Last evaluated: 2025-07-22. Review status: criteria provided, single submitter. Criteria: Invitae Variant Classification Sherloc (09022015). Collection method: clinical testing. Allele origin: germline.

Blueprint Genetics
Classification: Likely benign. Last evaluated: 2024-11-18. Review status: criteria provided, single submitter. Criteria: ACMG Guidelines, 2015. Collection method: clinical testing. Allele origin: germline.

Genome-Nilou Lab
Classification: Likely benign for Neurofibromatosis, type 1. Last evaluated: 2022-03-15. Review status: criteria provided, single submitter. Criteria: ACMG Guidelines, 2015. Collection method: clinical testing. Allele origin: germline. Affected: no.

Sema4
Classification: Likely benign for Hereditary cancer-predisposing syndrome. Last evaluated: 2021-11-24. Review status: criteria provided, single submitter. Criteria: Sema4 Curation Guidelines. Collection method: curation. Allele origin: germline.

Ambry Genetics
Classification: Likely benign for Hereditary cancer-predisposing syndrome. Last evaluated: 2015-04-07. Review status: criteria provided, single submitter. Criteria: Ambry Autosomal Dominant and X-Linked criteria (10/2015). Collection method: clinical testing. Allele origin: germline. Observed: 1 variant allele.

PreventionGenetics, part of Exact Sciences
Classification: Likely benign for NF1-related condition. Last evaluated: 2022-01-17. Review status: no assertion criteria provided. Collection method: clinical testing. Allele origin: germline. Not counted in ClinVar's aggregate classification.
Comment: This variant is classified as likely benign based on ACMG/AMP sequence variant interpretation guidelines (Richards et al. 2015 PMID: 25741868, with internal and published modifications).

NM_001042492.3(NF1):c.4047C>T (p.Ala1349=)

Gene: NF1 (neurofibromin 1; plus strand). Cytogenetic location: 17q11.2.
Variant type: single nucleotide variant.
Coding change: c.4047C>T on transcript NM_001042492.3 (MANE Select); coding-DNA position 4047, C replaced by T.
Protein change: p.Ala1349=; no amino-acid change (alanine 1349 retained).
Molecular consequence: synonymous variant.
Genome position (GRCh38, 1-based): chr17:31,249,056, C>T. VCF-style: chr17-31249056-C-T. GRCh37 (hg19) VCF-style: chr17-29576074-C-T.
Other names: c.4047C>T, p.Ala1349= (NM_000267.4).
Identifiers: ClinVar variation 231207 (VCV000231207.18), dbSNP rs752621693, ClinGen allele CA8486315.